The following is an entry in ClinVar:

ClinVar aggregate classification (germline): Uncertain significance (1 of 4 stars; one submission).

Conditions:
Benign neonatal seizures. Also called: Benign familial neonatal seizures; Convulsions benign familial neonatal dominant form; Autosomal dominant form of benign neonatal seizures; Benign neonatal familial convulsions; Benign familial neonatal epilepsy. Identifiers: Orphanet 1949, MedGen C0220669, MONDO:0016027.

Allele frequency attached by ClinVar (database versions not stated): gnomAD exomes below 0.00001; ExAC 0.00001.
gnomAD v4.1: 2 of 1,613,058 alleles (0.00012%); highest among the groups gnomAD compares: Non-Finnish European, 0.00017%; no homozygotes.

Submission:

Labcorp Genetics (formerly Invitae), Labcorp
Classification: Uncertain significance for Benign neonatal seizures. Last evaluated: 2022-04-21. Review status: criteria provided, single submitter. Criteria: Invitae Variant Classification Sherloc (09022015). Collection method: clinical testing. Allele origin: germline.
Comment: In summary, the available evidence is currently insufficient to determine the role of this variant in disease. Therefore, it has been classified as a Variant of Uncertain Significance. Advanced modeling of protein sequence and biophysical properties (such as structural, functional, and spatial information, amino acid conservation, physicochemical variation, residue mobility, and thermodynamic stability) performed at Invitae indicates that this missense variant is not expected to disrupt KCNQ3 protein function. This variant has not been reported in the literature in individuals affected with KCNQ3-related conditions. This variant is present in population databases (rs779827549, gnomAD 0.002%). This sequence change replaces alanine, which is neutral and non-polar, with threonine, which is neutral and polar, at codon 606 of the KCNQ3 protein (p.Ala606Thr).

NM_004519.4(KCNQ3):c.1816G>A (p.Ala606Thr)

Gene: KCNQ3 (potassium voltage-gated channel subfamily Q member 3; minus strand). Cytogenetic location: 8q24.22.
Variant type: single nucleotide variant.
Coding change: c.1816G>A on transcript NM_004519.4 (MANE Select); coding-DNA position 1816, G replaced by A.
Protein change: p.Ala606Thr; replaces alanine 606 with threonine.
Molecular consequence: missense variant.
Genome position (GRCh38, 1-based): chr8:132,132,248, C>T on the plus strand (G>A on the coding strand, the complement: KCNQ3 is on the minus strand). VCF-style: chr8-132132248-C-T. GRCh37 (hg19) VCF-style: chr8-133144495-C-T.
Other names: c.1456G>A, p.Ala486Thr (NM_001204824.2); short protein forms A486T, A606T.
Identifiers: ClinVar variation 1927187 (VCV001927187.5), dbSNP rs779827549, ClinGen allele CA4880572.